The following is an entry in ClinVar:

NM_001008212.2(OPTN):c.1136C>T (p.Thr379Ile)

Gene: OPTN (optineurin; plus strand). Cytogenetic location: 10p13.
Variant type: single nucleotide variant.
Coding change: c.1136C>T on transcript NM_001008212.2 (MANE Select); coding-DNA position 1136, C replaced by T.
Protein change: p.Thr379Ile; replaces threonine 379 with isoleucine.
Molecular consequence: missense variant.
Genome position (GRCh38, 1-based): chr10:13,125,555, C>T. VCF-style: chr10-13125555-C-T. GRCh37 (hg19) VCF-style: chr10-13167555-C-T.
Other names: c.1136C>T, p.Thr379Ile (NM_001008211.1, NM_001008213.1, NM_021980.4); short protein forms T379I.
Identifiers: ClinVar variation 4072521 (VCV004072521.1).
Genomic context (GRCh38, chr10:13,125,555, plus strand): 5'-AAAAGTTAGAGCTACAAGTGGAAAGCATGCTATCAGAAATCAAAATGGAACAGGCTAAAA[C>T]AGAGGATGAAAAGTGAGTATGTTGAGTCAGAAGGGCAGCGACGGGGCAGAGGAGGGAGAA-3'
Protein context (NP_001008213.1, residues 369-389): LSEIKMEQAK[Thr379Ile]EDEKSKLTVL

ClinVar aggregate classification (germline): Uncertain significance (1 of 4 stars; one submission).

gnomAD v4.1: 8 of 1,613,962 alleles (0.0005%); highest among the groups gnomAD compares: African/African-American, 0.011%; no homozygotes.

Submission:

GeneDx
Classification: Uncertain significance. Last evaluated: 2025-01-26. Review status: criteria provided, single submitter. Criteria: GeneDx Variant Classification Process June 2021. Collection method: clinical testing. Allele origin: germline. Affected: yes.
Comment: In silico analysis indicates that this missense variant does not alter protein structure/function; Has not been previously published as pathogenic or benign to our knowledge